The following is an entry in ClinVar:

NM_002354.3(EPCAM):c.575C>T (p.Thr192Ile)

Gene: EPCAM (epithelial cell adhesion molecule; plus strand). Cytogenetic location: 2p21.
Variant type: single nucleotide variant.
Coding change: c.575C>T on transcript NM_002354.3 (MANE Select); coding-DNA position 575, C replaced by T.
Protein change: p.Thr192Ile; replaces threonine 192 with isoleucine.
Molecular consequence: missense variant.
Genome position (GRCh38, 1-based): chr2:47,378,972, C>T. VCF-style: chr2-47378972-C-T. GRCh37 (hg19) VCF-style: chr2-47606111-C-T.
Other names: short protein forms T192I.
Identifiers: ClinVar variation 1749471 (VCV001749471.3), dbSNP rs771467736, ClinGen allele CA1649089.

ClinVar aggregate classification (germline): Uncertain significance (1 of 4 stars; one submission).

Conditions:
Hereditary cancer-predisposing syndrome. Also called: Hereditary Cancer Syndrome; Hereditary neoplastic syndrome; Neoplastic Syndromes, Hereditary; Tumor predisposition. Identifiers: Orphanet 140162, MedGen C0027672, MeSH D009386, MONDO:0015356.

Allele frequency attached by ClinVar (database versions not stated): ExAC 0.00001.
gnomAD v4.1: 13 of 1,554,762 alleles (0.00084%); highest among the groups gnomAD compares: East Asian, 0.027%; no homozygotes.

Submission:

Ambry Genetics
Classification: Uncertain significance for Hereditary cancer-predisposing syndrome. Last evaluated: 2024-08-11. Review status: criteria provided, single submitter. Criteria: Ambry Variant Classification Scheme 2023. Collection method: clinical testing. Allele origin: germline.
Comment: The p.T192I variant (also known as c.575C>T), located in coding exon 6 of the EPCAM gene, results from a C to T substitution at nucleotide position 575. The threonine at codon 192 is replaced by isoleucine, an amino acid with similar properties. This amino acid position is conserved. In addition, this alteration is predicted to be tolerated by in silico analysis. Since supporting evidence is limited at this time, the clinical significance of this alteration remains unclear.